The following is an entry in ClinVar:

NM_172107.4(KCNQ2):c.106del (p.Arg36fs)

Gene: KCNQ2 (potassium voltage-gated channel subfamily Q member 2; minus strand). Cytogenetic location: 20q13.33.
Variant type: Deletion.
Coding change: c.106del on transcript NM_172107.4 (MANE Select); coding-DNA position 106, one base deleted (C; older notation c.106delC).
Protein change: p.Arg36fs; shifts the reading frame from arginine 36.
Molecular consequence: frameshift variant.
Genome position (GRCh38, 1-based): chr20:63,472,358, G deleted on the plus strand (C on the coding strand, the reverse complement: KCNQ2 is on the minus strand); the first of 3 consecutive G bases (chr20:63,472,358-63,472,360); deleting any one gives the same sequence. VCF-style (leftmost placement, unchanged base first): chr20-63472357-CG-C. GRCh37 (hg19) VCF-style: chr20-62103710-CG-C.
Other names: c.106del, p.Arg36fs (NM_004518.6, NM_172106.3, NM_172108.5 and 1 more transcripts); c.106del (NM_172107.2); short protein forms R36fs.
Identifiers: ClinVar variation 663758 (VCV000663758.10), dbSNP rs1600886270, ClinGen allele CA915953118.

ClinVar aggregate classification (germline): Pathogenic. Review status: criteria provided, multiple submitters, no conflicts (2 of 4 stars). 2 submissions from 2 submitters: Pathogenic (2). Last evaluated 2024-03-22.

Conditions:
Early-infantile DEE. Also called: Early infantile epileptic encephalopathy; Ohtahara syndrome; Early infantile epileptic encephalopathy with suppression bursts. Identifiers: Orphanet 1934, MedGen C0393706, MONDO:0800491.
Inborn genetic diseases. Identifiers: MedGen C0950123, MeSH D030342.

Submissions (2):

Ambry Genetics
Classification: Pathogenic for Inborn genetic diseases. Last evaluated: 2024-03-22. Review status: criteria provided, single submitter. Criteria: Ambry Variant Classification Scheme 2023. Collection method: clinical testing. Allele origin: germline.
Comment: The c.106delC (p.R36Gfs*6) alteration, located in exon 1 (coding exon 1) of the KCNQ2 gene, consists of a deletion of one nucleotide at position 106, causing a translational frameshift with a predicted alternate stop codon after 6 amino acids. This alteration is expected to result in loss of function by premature protein truncation or nonsense-mediated mRNA decay. This variant was not reported in population-based cohorts in the Genome Aggregation Database (gnomAD). Based on the available evidence, this alteration is classified as pathogenic.

Labcorp Genetics (formerly Invitae), Labcorp
Classification: Pathogenic for Early-infantile DEE. Last evaluated: 2023-08-20. Review status: criteria provided, single submitter. Criteria: Invitae Variant Classification Sherloc (09022015). Collection method: clinical testing. Allele origin: germline.
Comment: For these reasons, this variant has been classified as Pathogenic. ClinVar contains an entry for this variant (Variation ID: 663758). This sequence change creates a premature translational stop signal (p.Arg36Glyfs*6) in the KCNQ2 gene. It is expected to result in an absent or disrupted protein product. Loss-of-function variants in KCNQ2 are known to be pathogenic (PMID: 14534157, 23692823, 27779742). This variant is not present in population databases (gnomAD no frequency). This variant has not been reported in the literature in individuals affected with KCNQ2-related conditions.

Literature cited by the submitters: PubMed 14534157 (cited by Labcorp Genetics (formerly Invitae), Labcorp); PubMed 23692823 (cited by Labcorp Genetics (formerly Invitae), Labcorp); PubMed 27779742 (cited by Labcorp Genetics (formerly Invitae), Labcorp).